The following is an entry in ClinVar:

ClinVar aggregate classification (germline): Uncertain significance. Review status: criteria provided, multiple submitters, no conflicts (2 of 4 stars). 2 submissions from 2 submitters: Uncertain significance (2). Last evaluated 2025-04-29.

gnomAD v4.1: 42 of 1,613,570 alleles (0.0026%); highest among the groups gnomAD compares: Admixed American, 0.0083%; no homozygotes.

Submissions (2):

Ambry Genetics
Classification: Uncertain significance. Last evaluated: 2025-04-29. Review status: criteria provided, single submitter. Criteria: Ambry Variant Classification Scheme 2023. Collection method: clinical testing. Allele origin: germline.

Labcorp Genetics (formerly Invitae), Labcorp
Classification: Uncertain significance. Last evaluated: 2024-08-05. Review status: criteria provided, single submitter. Criteria: Invitae Variant Classification Sherloc (09022015). Collection method: clinical testing. Allele origin: germline.
Comment: This sequence change replaces proline, which is neutral and non-polar, with leucine, which is neutral and non-polar, at codon 207 of the MED20 protein (p.Pro207Leu). This variant is present in population databases (rs761262986, gnomAD 0.008%). This variant has not been reported in the literature in individuals affected with MED20-related conditions. An algorithm developed to predict the effect of missense changes on protein structure and function (PolyPhen-2) suggests that this variant is likely to be disruptive. In summary, the available evidence is currently insufficient to determine the role of this variant in disease. Therefore, it has been classified as a Variant of Uncertain Significance.

NM_004275.5(MED20):c.620C>T (p.Pro207Leu)

Gene: MED20 (mediator complex subunit 20; minus strand). Cytogenetic location: 6p21.1.
Variant type: single nucleotide variant.
Coding change: c.620C>T on transcript NM_004275.5 (MANE Select); coding-DNA position 620, C replaced by T.
Protein change: p.Pro207Leu; replaces proline 207 with leucine.
Molecular consequence: missense variant. On other transcripts: 3 prime UTR variant (1), non-coding transcript variant (1).
Genome position (GRCh38, 1-based): chr6:41,907,091, G>A on the plus strand (C>T on the coding strand, the complement: MED20 is on the minus strand). VCF-style: chr6-41907091-G-A. GRCh37 (hg19) VCF-style: chr6-41874829-G-A.
Other names: c.*172C>T (NM_001305457.2); c.434C>T, p.Pro145Leu (NM_001305455.2, NM_001305456.2); c.620C>T (NM_004275.3); short protein forms P145L, P207L.
Identifiers: ClinVar variation 3608199 (VCV003608199.3).
Genomic context (GRCh38, chr6:41,907,091, plus strand): 5'-AGTACCCCTGGTGACAGAGCTCAGCTGGCAGCTGCTCATCACTAACGAATCCCAGCCACC[G>A]GCACCTGCTGCTGCTTGCGGATCTTGTTGAAGAGTTCCATGTACTGGACCATGGTATCTG-3'
Protein context (NP_004266.2, residues 197-212): FNKIRKQQQV[Pro207Leu]VAGIR